The following is an entry in ClinVar:

ClinVar aggregate classification (germline): Uncertain significance (1 of 4 stars; one submission).

Conditions:
Cardiovascular phenotype. Identifiers: MedGen CN230736.

Allele frequency attached by ClinVar (database versions not stated): gnomAD exomes below 0.00001; TOPMed below 0.00001; ExAC 0.00001; gnomAD 0.00001; 1000 Genomes Project 30x 0.00016; 1000 Genomes Project 0.00020.
gnomAD v4.1: 5 of 1,613,334 alleles (0.00031%); highest among the groups gnomAD compares: East Asian, 0.011%; no homozygotes.

Submission:

Ambry Genetics
Classification: Uncertain significance for Cardiovascular phenotype. Last evaluated: 2019-07-27. Review status: criteria provided, single submitter. Criteria: Ambry Variant Classification Scheme 2023. Collection method: clinical testing. Allele origin: germline.
Comment: The p.N16976K variant (also known as c.50928C>A), located in coding exon 153 of the TTN gene, results from a C to A substitution at nucleotide position 50928. The asparagine at codon 16976 is replaced by lysine, an amino acid with similar properties. This amino acid position is highly conserved in available vertebrate species. In addition, this alteration is predicted to be tolerated by in silico analysis. Since supporting evidence is limited at this time, the clinical significance of this alteration remains unclear.

NM_001267550.2(TTN):c.78123C>A (p.Asn26041Lys)

Genes: TTN (titin; minus strand), TTN-AS1 (TTN antisense RNA 1; plus strand). Cytogenetic location: 2q31.2.
Variant type: single nucleotide variant.
Coding change: c.78123C>A on transcript NM_001267550.2 (MANE Select); coding-DNA position 78123, C replaced by A.
Protein change: p.Asn26041Lys; replaces asparagine 26041 with lysine.
Molecular consequence: missense variant.
Genome position (GRCh38, 1-based): chr2:178,568,009, G>T on the plus strand (C>A on the coding strand, the complement: TTN is on the minus strand). VCF-style: chr2-178568009-G-T. GRCh37 (hg19) VCF-style: chr2-179432736-G-T.
Other names: c.73200C>A, p.Asn24400Lys (NM_001256850.1); c.50928C>A, p.Asn16976Lys (NM_003319.4); c.70419C>A, p.Asn23473Lys (NM_133378.4); c.51303C>A, p.Asn17101Lys (NM_133432.3); c.51504C>A, p.Asn17168Lys (NM_133437.4); short protein forms N23473K, N24400K, N26041K, N16976K, N17101K, N17168K.
Identifiers: ClinVar variation 1745282 (VCV001745282.2), dbSNP rs556395967, ClinGen allele CA1989657.